The following is an entry in ClinVar:

NM_001040108.2(MLH3):c.1325T>G (p.Ile442Ser)

Gene: MLH3 (mutL homolog 3; minus strand). Cytogenetic location: 14q24.3.
Variant type: single nucleotide variant.
Coding change: c.1325T>G on transcript NM_001040108.2 (MANE Select); coding-DNA position 1325, T replaced by G.
Protein change: p.Ile442Ser; replaces isoleucine 442 with serine.
Molecular consequence: missense variant.
Genome position (GRCh38, 1-based): chr14:75,048,331, A>C on the plus strand (T>G on the coding strand, the complement: MLH3 is on the minus strand). VCF-style: chr14-75048331-A-C. GRCh37 (hg19) VCF-style: chr14-75515034-A-C.
Other names: c.1325T>G (NM_001040108.1); c.1325T>G, p.Ile442Ser (NM_014381.3); short protein forms I442S.
Identifiers: ClinVar variation 1402809 (VCV001402809.9), dbSNP rs2139585598, ClinGen allele CA390446433.
Genomic context (GRCh38, chr14:75,048,331, plus strand): 5'-TCTTTGTTTTGTAAAGATGGCTCTGTCATTTTGCTATGGCCTGGACCACCTGATTCATAA[A>C]TGTACAAAAATGCATCATTTGTATTTTTTCTGGTAGCTTCTGAATCCCTAGAACTCTGTG-3'
Protein context (NP_001035197.1, residues 432-452): RKNTNDAFLY[Ile442Ser]YESGGPGHSK

ClinVar aggregate classification (germline): Uncertain significance. Review status: criteria provided, multiple submitters, no conflicts (2 of 4 stars). 2 submissions from 2 submitters: Uncertain significance (2). Last evaluated 2024-04-24.

Conditions:
Colorectal cancer, hereditary nonpolyposis, type 7. Identifiers: Orphanet 144, MedGen C1858380, MONDO:0013725, OMIM 614385.

gnomAD v4.1: 1 of 1,614,042 alleles (0.000062%); no homozygotes.

Submissions (2):

Ambry Genetics
Classification: Uncertain significance. Last evaluated: 2024-04-24. Review status: criteria provided, single submitter. Criteria: Ambry Variant Classification Scheme 2023. Collection method: clinical testing. Allele origin: germline.
Comment: The p.I442S variant (also known as c.1325T>G), located in coding exon 1 of the MLH3 gene, results from a T to G substitution at nucleotide position 1325. The isoleucine at codon 442 is replaced by serine, an amino acid with dissimilar properties. This amino acid position is conserved. In addition, this alteration is predicted to be tolerated by in silico analysis. Based on the available evidence, the clinical significance of this variant remains unclear.

Labcorp Genetics (formerly Invitae), Labcorp
Classification: Uncertain significance for Colorectal cancer, hereditary nonpolyposis, type 7. Last evaluated: 2021-01-19. Review status: criteria provided, single submitter. Criteria: Invitae Variant Classification Sherloc (09022015). Collection method: clinical testing. Allele origin: germline.
Comment: In summary, the available evidence is currently insufficient to determine the role of this variant in disease. Therefore, it has been classified as a Variant of Uncertain Significance. Algorithms developed to predict the effect of sequence changes on RNA splicing suggest that this variant may create or strengthen a splice site, but this prediction has not been confirmed by published transcriptional studies. Algorithms developed to predict the effect of missense changes on protein structure and function output the following: SIFT: "Tolerated"; PolyPhen-2: "Benign"; Align-GVGD: "Class C0". The serine amino acid residue is found in multiple mammalian species, suggesting that this missense change does not adversely affect protein function. These predictions have not been confirmed by published functional studies and their clinical significance is uncertain. This variant has not been reported in the literature in individuals with MLH3-related conditions. This variant is not present in population databases (ExAC no frequency). This sequence change replaces isoleucine with serine at codon 442 of the MLH3 protein (p.Ile442Ser). The isoleucine residue is weakly conserved and there is a large physicochemical difference between isoleucine and serine.